The following is an entry in ClinVar:

ClinVar aggregate classification (germline): Uncertain significance (1 of 4 stars; one submission).

Submission:

CeGaT Center for Human Genetics Tuebingen
Classification: Uncertain significance. Last evaluated: 2024-01-01. Review status: criteria provided, single submitter. Criteria: CeGaT Center For Human Genetics Tuebingen Variant Classification Criteria Version 2. Collection method: clinical testing. Allele origin: germline. Affected: yes. Observed: 1 variant allele.
Comment: SETD2: PM2, BP4

NM_014159.7(SETD2):c.7349A>G (p.Lys2450Arg)

Gene: SETD2 (SET domain containing 2, histone lysine methyltransferase; minus strand). Cytogenetic location: 3p21.31.
Variant type: single nucleotide variant.
Coding change: c.7349A>G on transcript NM_014159.7 (MANE Select); coding-DNA position 7349, A replaced by G.
Protein change: p.Lys2450Arg; replaces lysine 2450 with arginine.
Molecular consequence: missense variant. On other transcripts: non-coding transcript variant (1).
Genome position (GRCh38, 1-based): chr3:47,037,667, T>C on the plus strand (A>G on the coding strand, the complement: SETD2 is on the minus strand). VCF-style: chr3-47037667-T-C. GRCh37 (hg19) VCF-style: chr3-47079157-T-C.
Other names: c.7217A>G, p.Lys2406Arg (NM_001349370.3); short protein forms K2406R, K2450R.
Identifiers: ClinVar variation 3027081 (VCV003027081.22), dbSNP rs2545412547, ClinGen allele CA352512120.
Genomic context (GRCh38, chr3:47,037,667, plus strand): 5'-GGGATGGTCTTGGACGGACTCCCAAATGATCAGGAAATACATGTGTAAGCCACACTCACC[T>C]TCATGGGGTTTTCATCATATGTTGGAGTTCCCAGGTCCATCTCAGCTTCATGCTCAAGGC-3'
Protein context (NP_054878.5, residues 2440-2460): GTPTYDENPM[Lys2450Arg]ASKKPKTAEA